The following is an entry in ClinVar:

ClinVar aggregate classification (germline): Pathogenic (1 of 4 stars; one submission).

Conditions:
Early-infantile DEE. Also called: Early infantile epileptic encephalopathy; Early infantile epileptic encephalopathy with suppression bursts; Ohtahara syndrome. Identifiers: Orphanet 1934, MedGen C0393706, MONDO:0800491.

Submission:

Labcorp Genetics (formerly Invitae), Labcorp
Classification: Pathogenic for Early-infantile DEE. Last evaluated: 2022-07-05. Review status: criteria provided, single submitter. Criteria: Invitae Variant Classification Sherloc (09022015). Collection method: clinical testing. Allele origin: germline.
Comment: This variant has not been reported in the literature in individuals affected with SCN1A-related conditions. This variant is not present in population databases (gnomAD no frequency). This sequence change creates a premature translational stop signal (p.Glu599*) in the SCN1A gene. It is expected to result in an absent or disrupted protein product. Loss-of-function variants in SCN1A are known to be pathogenic (PMID: 17347258, 18930999). ClinVar contains an entry for this variant (Variation ID: 530469). For these reasons, this variant has been classified as Pathogenic.

Literature cited by the submitters: PubMed 17347258; PubMed 18930999.

NM_001165963.4(SCN1A):c.1795G>T (p.Glu599Ter)

Gene: SCN1A (sodium voltage-gated channel alpha subunit 1; minus strand). Cytogenetic location: 2q24.3.
Variant type: single nucleotide variant.
Coding change: c.1795G>T on transcript NM_001165963.4 (MANE Select); coding-DNA position 1795, G replaced by T.
Protein change: p.Glu599Ter; replaces glutamic acid 599 with a stop codon.
Molecular consequence: nonsense. On other transcripts: 5 prime UTR variant (1), non-coding transcript variant (1).
Genome position (GRCh38, 1-based): chr2:166,043,917, C>A on the plus strand (G>T on the coding strand, the complement: SCN1A is on the minus strand). VCF-style: chr2-166043917-C-A. GRCh37 (hg19) VCF-style: chr2-166900427-C-A.
Other names: c.1795G>T, p.Glu599Ter (NM_001165964.3, NM_001202435.3, NM_001353948.2 and 7 more transcripts); c.1792G>T, p.Glu598Ter (NM_001353954.2, NM_001353955.2, NM_001353960.2); c.-631G>T (NM_001353961.2); short protein forms E599*, E598*.
Identifiers: ClinVar variation 530469 (VCV000530469.7), dbSNP rs1553544821, ClinGen allele CA349067648.